The following is an entry in ClinVar:

NM_001270.4(CHD1):c.396C>T (p.Ser132=)

Gene: CHD1 (chromodomain helicase DNA binding protein 1; minus strand). Cytogenetic location: 5q21.1.
Variant type: single nucleotide variant.
Coding change: c.396C>T on transcript NM_001270.4 (MANE Select); coding-DNA position 396, C replaced by T.
Protein change: p.Ser132=; no amino-acid change (serine 132 retained).
Molecular consequence: synonymous variant. On other transcripts: non-coding transcript variant (2).
Genome position (GRCh38, 1-based): chr5:98,902,941, G>A on the plus strand (C>T on the coding strand, the complement: CHD1 is on the minus strand). VCF-style: chr5-98902941-G-A. GRCh37 (hg19) VCF-style: chr5-98238645-G-A.
Other names: c.396C>T, p.Ser132= (NM_001364113.3, NM_001376194.2); c.396C>T (NM_001270.2).
Identifiers: ClinVar variation 1675988 (VCV001675988.34), dbSNP rs371891649, ClinGen allele CA3356601.

ClinVar aggregate classification (germline): Likely benign. Review status: criteria provided, single submitter (1 of 4 stars). 2 submissions from 2 submitters: Likely benign (1). 1 of the submissions does not count toward it. Last evaluated 2026-04-01.

Conditions:
CHD1-related disorder. Also called: CHD1-related condition.

Allele frequency attached by ClinVar (database versions not stated): ESP Exome Variant Server 0.00015; ExAC 0.00017; gnomAD exomes 0.00021 and 0.00049; gnomAD 0.00029 and 0.00030; TOPMed 0.00031.
gnomAD v4.1: 793 of 1,604,174 alleles (0.049%); highest among the groups gnomAD compares: Non-Finnish European, 0.061%; 1 homozygote.

Submissions (2):

CeGaT Center for Human Genetics Tuebingen
Classification: Likely benign. Last evaluated: 2026-04-01. Review status: criteria provided, single submitter. Criteria: CeGaT Center For Human Genetics Tuebingen Variant Classification Criteria Version 2. Collection method: clinical testing. Allele origin: germline. Affected: yes. Observed: 4 variant alleles.
Comment: CHD1: BP4, BP7

PreventionGenetics, part of Exact Sciences
Classification: Likely benign for CHD1-related condition. Last evaluated: 2019-11-26. Review status: no assertion criteria provided. Collection method: clinical testing. Allele origin: germline. Not counted in ClinVar's aggregate classification.
Comment: This variant is classified as likely benign based on ACMG/AMP sequence variant interpretation guidelines (Richards et al. 2015 PMID: 25741868, with internal and published modifications).